The following is an entry in ClinVar:

NM_003970.4(MYOM2):c.2814G>A (p.Ala938=)

Genes: MYOM2 (myomesin 2; plus strand), LOC126860282 (BRD4-independent group 4 enhancer GRCh37_chr8:2053383-2054582; plus strand). Cytogenetic location: 8p23.3.
Variant type: single nucleotide variant.
Coding change: c.2814G>A on transcript NM_003970.4 (MANE Select); coding-DNA position 2814, G replaced by A.
Protein change: p.Ala938=; no amino-acid change (alanine 938 retained).
Molecular consequence: synonymous variant.
Genome position (GRCh38, 1-based): chr8:2,106,321, G>A. VCF-style: chr8-2106321-G-A. GRCh37 (hg19) VCF-style: chr8-2054111-G-A.
Identifiers: ClinVar variation 3039329 (VCV003039329.2), dbSNP rs61732779, ClinGen allele CA170459328.
Genomic context (GRCh38, chr8:2,106,321, plus strand): 5'-TGGTGTCGATGAACAAGGCAACATCTATCTGGGCTTCGACTGCCAGGAAATGACAGACGC[G>A]TCTCAGTTCACCTGGTGTAAATCCTACGAGGAGATTTCAGATGATGAGAGGTTTAAAATT-3'
Protein context (NP_003961.3, residues 928-948): LGFDCQEMTD[Ala938=]SQFTWCKSYE

ClinVar aggregate classification (germline): Likely benign (0 of 4 stars; one submission).

Conditions:
MYOM2-related disorder. Also called: MYOM2-related condition.

Allele frequency attached by ClinVar (database versions not stated): ExAC 0.00077; gnomAD 0.00258; 1000 Genomes Project 0.00260; TOPMed 0.00295; ESP Exome Variant Server 0.00323; 1000 Genomes Project 30x 0.00328.
gnomAD v4.1: 860 of 1,614,134 alleles (0.053%); highest among the groups gnomAD compares: African/African-American, 0.92%; 3 homozygotes.

Submission:

PreventionGenetics, part of Exact Sciences
Classification: Likely benign for MYOM2-related condition. Last evaluated: 2019-04-11. Review status: no assertion criteria provided. Collection method: clinical testing. Allele origin: germline.
Comment: This variant is classified as likely benign based on ACMG/AMP sequence variant interpretation guidelines (Richards et al. 2015 PMID: 25741868, with internal and published modifications).